The following is an entry in ClinVar:

NM_198253.3(TERT):c.1331A>G (p.Asp444Gly)

Gene: TERT (telomerase reverse transcriptase; minus strand). Cytogenetic location: 5p15.33.
Variant type: single nucleotide variant.
Coding change: c.1331A>G on transcript NM_198253.3 (MANE Select); coding-DNA position 1331, A replaced by G.
Protein change: p.Asp444Gly; replaces aspartic acid 444 with glycine.
Molecular consequence: missense variant. On other transcripts: non-coding transcript variant (2).
Genome position (GRCh38, 1-based): chr5:1,293,555, T>C on the plus strand (A>G on the coding strand, the complement: TERT is on the minus strand). VCF-style: chr5-1293555-T-C. GRCh37 (hg19) VCF-style: chr5-1293670-T-C.
Other names: c.1331A>G, p.Asp444Gly (NM_001193376.3); short protein forms D444G.
Identifiers: ClinVar variation 242215 (VCV000242215.13), dbSNP rs878855299, ClinGen allele CA10582362.
Genomic context (GRCh38, chr5:1,293,555, plus strand): 5'-AAGCCGTACACCTGCCAGGGGCTGCTGTGCTGGCGGAGCAGCTGCACCAGGCGACGGGGG[T>C]CTGTGTCCTCCTCCTCGGGGGCCGCCACAGAGCCCTGGGGCTTCTCCCGGGCACAGACAC-3'
Protein context (NP_937983.2, residues 434-454): SVAAPEEEDT[Asp444Gly]PRRLVQLLRQ

ClinVar aggregate classification (germline): Conflicting classifications of pathogenicity. Review status: criteria provided, conflicting classifications (1 of 4 stars). 4 submissions from 4 submitters: Uncertain significance (3); Likely benign (1). Last evaluated 2025-12-19.

Conditions:
Idiopathic Pulmonary Fibrosis. Also called: Idiopathic fibrosing alveolitis, chronic form; idiopathic fibrosing alveolitis. Identifiers: Orphanet 2032, MedGen C1800706, MeSH D054990, MONDO:0800504.
Dyskeratosis congenita, autosomal dominant 2. Identifiers: MedGen C3151443, MONDO:0013521, OMIM 613989.
Dyskeratosis congenita. Identifiers: Orphanet 1775, MedGen C0265965, MONDO:0015780.
Acute myeloid leukemia (AML). Also called: Acute myeloid leukemia, adult; AML adult; Acute non-lymphocytic leukemia; Acute granulocytic leukemia; Leukemia, acute myelogenous, somatic; Leukemia, acute myeloid, somatic. Identifiers: Orphanet 519, MedGen C0023467, MeSH D015470, MONDO:0018874, OMIM 601626, HP:0004808. Disease mechanism: Constitutively activated FLT3.

Allele frequency attached by ClinVar (database versions not stated): gnomAD 0.00001; gnomAD exomes 0.00001 and 0.00004; TOPMed 0.00002.
gnomAD v4.1: 55 of 1,547,348 alleles (0.0036%); highest among the groups gnomAD compares: Non-Finnish European, 0.0046%; no homozygotes.

Submissions (4):

Labcorp Genetics (formerly Invitae), Labcorp
Classification: Uncertain significance for Dyskeratosis congenita, autosomal dominant 2; Idiopathic Pulmonary Fibrosis. Last evaluated: 2025-12-19. Review status: criteria provided, single submitter. Criteria: Invitae Variant Classification Sherloc (09022015). Collection method: clinical testing. Allele origin: germline.
Comment: This sequence change replaces aspartic acid, which is acidic and polar, with glycine, which is neutral and non-polar, at codon 444 of the TERT protein (p.Asp444Gly). This variant is present in population databases (no rsID available, gnomAD 0.002%). This variant has not been reported in the literature in individuals affected with TERT-related conditions. ClinVar contains an entry for this variant (Variation ID: 242215). Invitae Evidence Modeling of protein sequence and biophysical properties (such as structural, functional, and spatial information, amino acid conservation, physicochemical variation, residue mobility, and thermodynamic stability) indicates that this missense variant is not expected to disrupt TERT protein function with a negative predictive value of 95%. In summary, the available evidence is currently insufficient to determine the role of this variant in disease. Therefore, it has been classified as a Variant of Uncertain Significance.

GeneDx
Classification: Uncertain significance. Last evaluated: 2024-03-18. Review status: criteria provided, single submitter. Criteria: GeneDx Variant Classification Process June 2021. Collection method: clinical testing. Allele origin: germline. Affected: yes.
Comment: Not observed at significant frequency in large population cohorts (gnomAD); In silico analysis supports that this missense variant does not alter protein structure/function; Has not been previously published as pathogenic or benign to our knowledge

Ambry Genetics
Classification: Likely benign for Dyskeratosis congenita. Last evaluated: 2022-01-10. Review status: criteria provided, single submitter. Criteria: Ambry Variant Classification Scheme 2023. Collection method: clinical testing. Allele origin: germline.

Baylor Genetics
Classification: Uncertain significance for Acute myeloid leukemia. Last evaluated: 2020-06-25. Review status: criteria provided, single submitter. Criteria: ACMG Guidelines, 2015. Collection method: clinical testing. Allele origin: unknown. Affected: yes. Study: CSER-TexasKidsCanSeq.
Comment: This variant was determined to be of uncertain significance according to ACMG Guidelines, 2015 [PMID:25741868].